The following is an entry in ClinVar:

NM_013275.6(ANKRD11):c.2022dup (p.Glu675fs)

Gene: ANKRD11 (ankyrin repeat domain 11; minus strand). Cytogenetic location: 16q24.3.
Variant type: Duplication.
Coding change: c.2022dup on transcript NM_013275.6 (MANE Select); coding-DNA position 2022, one base duplicated (A; older notation c.2022dupA).
Protein change: p.Glu675fs; shifts the reading frame from glutamic acid 675.
Molecular consequence: frameshift variant.
Genome position (GRCh38, 1-based): chr16:89,284,520, T duplicated on the plus strand (A on the coding strand, the reverse complement: ANKRD11 is on the minus strand). VCF-style (leftmost placement, unchanged base first): chr16-89284519-C-CT. GRCh37 (hg19) VCF-style: chr16-89350927-C-CT.
Other names: c.2022dup, p.Glu675fs (NM_001256182.2, NM_001256183.2); c.2022dup (NM_013275.5); short protein forms E675fs.
Identifiers: ClinVar variation 2430112 (VCV002430112.7), dbSNP rs2544242786, ClinGen allele CA2580092314.

ClinVar aggregate classification (germline): Pathogenic. Review status: criteria provided, multiple submitters, no conflicts (2 of 4 stars). 4 submissions from 4 submitters: Pathogenic (4). Last evaluated 2026-01-22.

Conditions:
KBG syndrome (KBGS). Also called: ANKRD11-Related KBG Syndrome. Identifiers: Orphanet 2332, MedGen C0220687, MONDO:0007846, OMIM 148050.
Developmental disorder. Identifiers: MedGen C0008073.

Submissions (4):

GeneDx
Classification: Pathogenic. Last evaluated: 2026-01-22. Review status: criteria provided, single submitter. Criteria: GeneDx Variant Classification Process June 2021. Collection method: clinical testing. Allele origin: germline.
Comment: Reported previously in a patient with autism; however, no further clinical or segregation information was provided (PMID: 38958063); Frameshift variant predicted to result in protein truncation or nonsense mediated decay in a gene for which loss of function is a known mechanism of disease; Not observed at significant frequency in large population cohorts (gnomAD); This variant is associated with the following publications: (PMID: 38958063)

3billion
Classification: Pathogenic for KBG syndrome. Last evaluated: 2024-06-17. Review status: criteria provided, single submitter. Criteria: ACMG Guidelines, 2015. Collection method: clinical testing. Allele origin: germline. Affected: yes.
Comment: The variant is not observed in the gnomAD v4.0.0 dataset. Predicted Consequence/Location: Frameshift: predicted to result in a loss or disruption of normal protein function through nonsense-mediated decay (NMD) or protein truncation. Multiple pathogenic variants are reported downstream of the variant. The variant has been reported at least twice as pathogenic without evidence for the classification (ClinVar ID: VCV002430112). Therefore, this variant is classified as Pathogenic according to the recommendation of ACMG/AMP guideline.

Labcorp Genetics (formerly Invitae), Labcorp
Classification: Pathogenic for KBG syndrome. Last evaluated: 2023-03-22. Review status: criteria provided, single submitter. Criteria: Invitae Variant Classification Sherloc (09022015). Collection method: clinical testing. Allele origin: germline.
Comment: For these reasons, this variant has been classified as Pathogenic. This sequence change creates a premature translational stop signal (p.Glu675Argfs*3) in the ANKRD11 gene. It is expected to result in an absent or disrupted protein product. Loss-of-function variants in ANKRD11 are known to be pathogenic (PMID: 21782149, 25125236, 25413698, 25652421). This variant is not present in population databases (gnomAD no frequency). This variant has not been reported in the literature in individuals affected with ANKRD11-related conditions. ClinVar contains an entry for this variant (Variation ID: 2430112).

Department of Genetics, Rouen University Hospital, Normandy Center for Genomic and Personalized Medicine
Classification: Pathogenic for Developmental disorder. Last evaluated: 2019-10-02. Review status: criteria provided, single submitter. Criteria: ACMG Guidelines, 2015. Collection method: clinical testing. Allele origin: de novo. Affected: yes.

Literature cited by the submitters: PubMed 21782149 (cited by Labcorp Genetics (formerly Invitae), Labcorp); PubMed 25125236 (cited by Labcorp Genetics (formerly Invitae), Labcorp); PubMed 25413698 (cited by Labcorp Genetics (formerly Invitae), Labcorp); PubMed 25652421 (cited by Labcorp Genetics (formerly Invitae), Labcorp).